The following is an entry in ClinVar:

NM_001563.4(IMPG1):c.73T>G (p.Ser25Ala)

Gene: IMPG1 (interphotoreceptor matrix proteoglycan 1; minus strand). Cytogenetic location: 6q14.1.
Variant type: single nucleotide variant.
Coding change: c.73T>G on transcript NM_001563.4 (MANE Select); coding-DNA position 73, T replaced by G.
Protein change: p.Ser25Ala; replaces serine 25 with alanine.
Molecular consequence: missense variant. On other transcripts: intron variant (1).
Genome position (GRCh38, 1-based): chr6:76,042,121, A>C on the plus strand (T>G on the coding strand, the complement: IMPG1 is on the minus strand). VCF-style: chr6-76042121-A-C. GRCh37 (hg19) VCF-style: chr6-76751838-A-C.
Other names: c.68-7334T>G (NM_001282368.2); short protein forms S25A.
Identifiers: ClinVar variation 4727672 (VCV004727672.1).

ClinVar aggregate classification (germline): Uncertain significance (1 of 4 stars; one submission).

Submission:

Labcorp Genetics (formerly Invitae), Labcorp
Classification: Uncertain significance. Last evaluated: 2025-09-22. Review status: criteria provided, single submitter. Criteria: Invitae Variant Classification Sherloc (09022015). Collection method: clinical testing. Allele origin: germline.
Comment: This sequence change replaces serine, which is neutral and polar, with alanine, which is neutral and non-polar, at codon 25 of the IMPG1 protein (p.Ser25Ala). This variant is not present in population databases (gnomAD no frequency). This variant has not been reported in the literature in individuals affected with IMPG1-related conditions. An algorithm developed to predict the effect of missense changes on protein structure and function outputs the following: PolyPhen-2: "Benign". The alanine amino acid residue is found in multiple mammalian species, which suggests that this missense change does not adversely affect protein function. In summary, the available evidence is currently insufficient to determine the role of this variant in disease. Therefore, it has been classified as a Variant of Uncertain Significance.